The following is an entry in ClinVar:

NM_000489.6(ATRX):c.3649G>C (p.Gly1217Arg)

Gene: ATRX (ATRX chromatin remodeler; minus strand). Cytogenetic location: Xq21.1.
Variant type: single nucleotide variant.
Coding change: c.3649G>C on transcript NM_000489.6 (MANE Select); coding-DNA position 3649, G replaced by C.
Protein change: p.Gly1217Arg; replaces glycine 1217 with arginine.
Molecular consequence: missense variant.
Genome position (GRCh38, 1-based): chrX:77,681,607, C>G on the plus strand (G>C on the coding strand, the complement: ATRX is on the minus strand). VCF-style: chrX-77681607-C-G. GRCh37 (hg19) VCF-style: chrX-76937099-C-G.
Other names: c.3535G>C, p.Gly1179Arg (NM_138270.5); c.3649G>C (NM_000489.3); short protein forms G1217R, G1179R.
Identifiers: ClinVar variation 1464066 (VCV001464066.9), dbSNP rs781917332, ClinGen allele CA331568984.

ClinVar aggregate classification (germline): Conflicting classifications of pathogenicity. Review status: criteria provided, conflicting classifications (1 of 4 stars). 2 submissions from 2 submitters: Uncertain significance (1); Likely benign (1). Last evaluated 2023-11-04.

Conditions:
Alpha thalassemia-X-linked intellectual disability syndrome (ATRX). Also called: X-linked alpha-thalassemia-mental retardation syndrome; ALPHA-THALASSEMIA/IMPAIRED INTELLECTUAL DEVELOPMENT SYNDROME, X-LINKED; ALPHA-THALASSEMIA/MENTAL RETARDATION SYNDROME, X-LINKED; ATR, NONDELETION TYPE; ATR-X syndrome; Alpha thalassemia mental retardation syndrome, nondeletion type, X-linked. Identifiers: Orphanet 847, MedGen C1845055, MONDO:0010519, OMIM 301040.

Allele frequency attached by ClinVar (database versions not stated): gnomAD exomes 0.00001; 1000 Genomes Project 30x 0.00021; gnomAD 0.00001; 1000 Genomes Project 0.00026.
gnomAD v4.1: 3 of 1,204,657 alleles (0.00025%); highest among the groups gnomAD compares: South Asian, 0.0054%; no homozygotes.

Submissions (2):

Labcorp Genetics (formerly Invitae), Labcorp
Classification: Likely benign for Alpha thalassemia-X-linked intellectual disability syndrome. Last evaluated: 2023-11-04. Review status: criteria provided, single submitter. Criteria: Invitae Variant Classification Sherloc (09022015). Collection method: clinical testing. Allele origin: germline.

GeneDx
Classification: Uncertain significance. Last evaluated: 2022-11-08. Review status: criteria provided, single submitter. Criteria: GeneDx Variant Classification Process June 2021. Collection method: clinical testing. Allele origin: germline. Affected: yes.
Comment: Not observed at significant frequency in large population cohorts (gnomAD); In silico analysis supports that this missense variant has a deleterious effect on protein structure/function; Has not been previously published as pathogenic or benign to our knowledge